The following is an entry in ClinVar:

ClinVar aggregate classification (germline): Uncertain significance (1 of 4 stars; one submission).

Submission:

CeGaT Center for Human Genetics Tuebingen
Classification: Uncertain significance. Last evaluated: 2025-03-01. Review status: criteria provided, single submitter. Criteria: CeGaT Center For Human Genetics Tuebingen Variant Classification Criteria Version 2. Collection method: clinical testing. Allele origin: germline. Affected: yes. Observed: 1 variant allele.
Comment: KIF21B: PM2

NM_001252102.2(KIF21B):c.4140del (p.Lys1381fs)

Gene: KIF21B (kinesin family member 21B; minus strand). Cytogenetic location: 1q32.1.
Variant type: Deletion.
Coding change: c.4140del on transcript NM_001252102.2 (MANE Select); coding-DNA position 4140, one base deleted (C; older notation c.4140delC).
Protein change: p.Lys1381fs; shifts the reading frame from lysine 1381.
Molecular consequence: frameshift variant.
Genome position (GRCh38, 1-based): chr1:200,979,555, G deleted on the plus strand (C on the coding strand, the reverse complement: KIF21B is on the minus strand); the first of 2 consecutive G bases (chr1:200,979,555-200,979,556); deleting either gives the same sequence. VCF-style (leftmost placement, unchanged base first): chr1-200979554-TG-T. GRCh37 (hg19) VCF-style: chr1-200948682-TG-T.
Other names: c.4140del, p.Lys1381fs (NM_001252100.2); c.4101del, p.Lys1368fs (NM_001252103.2, NM_017596.4); short protein forms K1368fs, K1381fs.
Identifiers: ClinVar variation 3778474 (VCV003778474.7).
Genomic context (GRCh38, chr1:200,979,554, plus strand): 5'-TGCTGCAGCCGACCACTGTGAGGCAGGCGGGGGTTACTCACGTGAGAGTCCGAATGCACT[TG>T]GCTGAGTCCCGGATGTCCCACACCTTGATGTAGGAGGTGGACACGGAGAACACAAGCCCC-3'